The following is an entry in ClinVar:

ClinVar aggregate classification (germline): Uncertain significance (1 of 4 stars; one submission).

Submission:

GeneDx
Classification: Uncertain significance. Last evaluated: 2026-03-01. Review status: criteria provided, single submitter. Criteria: GeneDx Variant Classification Process June 2021. Collection method: clinical testing. Allele origin: germline.
Comment: Not observed at significant frequency in large population cohorts (gnomAD); In silico analysis suggests that this missense variant does not alter protein structure/function; Has not been previously published as pathogenic or benign to our knowledge

NM_016628.5(WAC):c.1382A>G (p.Asn461Ser)

Gene: WAC (WW domain containing adaptor with coiled-coil; plus strand). Cytogenetic location: 10p12.1.
Variant type: single nucleotide variant.
Coding change: c.1382A>G on transcript NM_016628.5 (MANE Select); coding-DNA position 1382, A replaced by G.
Protein change: p.Asn461Ser; replaces asparagine 461 with serine.
Molecular consequence: missense variant.
Genome position (GRCh38, 1-based): chr10:28,611,867, A>G. VCF-style: chr10-28611867-A-G. GRCh37 (hg19) VCF-style: chr10-28900796-A-G.
Other names: c.1247A>G, p.Asn416Ser (NM_100264.3); c.1073A>G, p.Asn358Ser (NM_100486.4); short protein forms N461S, N416S, N358S.
Identifiers: ClinVar variation 5008350 (VCV005008350.1).